The following is an entry in ClinVar:

NM_000661.5(RPL9):c.318G>C (p.Gln106His)

Gene: RPL9 (ribosomal protein L9; minus strand). Cytogenetic location: 4p14.
Variant type: single nucleotide variant.
Coding change: c.318G>C on transcript NM_000661.5 (MANE Select); coding-DNA position 318, G replaced by C.
Protein change: p.Gln106His; replaces glutamine 106 with histidine.
Molecular consequence: missense variant.
Genome position (GRCh38, 1-based): chr4:39,456,479, C>G on the plus strand (G>C on the coding strand, the complement: RPL9 is on the minus strand). VCF-style: chr4-39456479-C-G. GRCh37 (hg19) VCF-style: chr4-39458099-C-G.
Other names: c.318G>C, p.Gln106His (NM_001024921.4); short protein forms Q106H.
Identifiers: ClinVar variation 4751212 (VCV004751212.1).

ClinVar aggregate classification (germline): Uncertain significance (1 of 4 stars; one submission).

gnomAD v4.1: 10 of 1,614,000 alleles (0.00062%); highest among the groups gnomAD compares: South Asian, 0.0033%; no homozygotes.

Submission:

Labcorp Genetics (formerly Invitae), Labcorp
Classification: Uncertain significance. Last evaluated: 2025-09-13. Review status: criteria provided, single submitter. Criteria: Invitae Variant Classification Sherloc (09022015). Collection method: clinical testing. Allele origin: germline.
Comment: This sequence change replaces glutamine, which is neutral and polar, with histidine, which is basic and polar, at codon 106 of the RPL9 protein (p.Gln106His). This variant is present in population databases (rs377161055, gnomAD 0.006%). This variant has not been reported in the literature in individuals affected with RPL9-related conditions. An algorithm developed to predict the effect of missense changes on protein structure and function (PolyPhen-2) suggests that this variant is likely to be disruptive. In summary, the available evidence is currently insufficient to determine the role of this variant in disease. Therefore, it has been classified as a Variant of Uncertain Significance.